The following is an entry in ClinVar:

ClinVar aggregate classification (germline): Conflicting classifications of pathogenicity. Review status: criteria provided, conflicting classifications (1 of 4 stars). 13 submissions from 13 submitters: Uncertain significance (6); Benign (1); Likely benign (5). 1 of the submissions does not count toward it. Last evaluated 2026-01-28.

Conditions:
CFTR-related disorder (CFTR-RD). Also called: CFTR-related condition; CFTR-related disorders. Identifiers: MedGen C5924204, MONDO:7770004.
Breast neoplasm. Also called: Neoplasm of breast; Breast tumor; Breast Neoplasms; Neoplasm of the breast. Identifiers: MedGen C1458155, MeSH D001943, MONDO:0021100, HP:0100013. Disease mechanism: gain of function.
Cystic fibrosis (CF). Also called: MUCOVISCIDOSIS. Identifiers: Orphanet 586, MedGen C0010674, MONDO:0009061, OMIM 219700. Disease mechanism: loss of function.
Hereditary pancreatitis (PCTT). Also called: PRSS1-Related Hereditary Pancreatitis; Hereditary chronic pancreatitis. Identifiers: Orphanet 676, MedGen C0238339, MONDO:0008185, OMIM 167800.

Allele frequency attached by ClinVar (database versions not stated): TOPMed 0.00024; 1000 Genomes Project 0.00060; 1000 Genomes Project 30x 0.00078.
gnomAD v4.1: 118 of 1,613,960 alleles (0.0073%); highest among the groups gnomAD compares: East Asian, 0.24%; no homozygotes.

Submissions (13):

Labcorp Genetics (formerly Invitae), Labcorp
Classification: Likely benign for Cystic fibrosis. Last evaluated: 2026-01-28. Review status: criteria provided, single submitter. Criteria: Invitae Variant Classification Sherloc (09022015). Collection method: clinical testing. Allele origin: germline.

PreventionGenetics, part of Exact Sciences
Classification: Likely benign for CFTR-related condition. Last evaluated: 2026-01-07. Review status: criteria provided, single submitter. Criteria: ACMG Guidelines, 2015. Collection method: clinical testing. Allele origin: germline.
Comment: This variant is classified as likely benign based on ACMG/AMP sequence variant interpretation guidelines (Richards et al. 2015 PMID: 25741868, with internal and published modifications).

ARUP Laboratories, Molecular Genetics and Genomics, ARUP Laboratories
Classification: Uncertain significance. Last evaluated: 2025-06-25. Review status: criteria provided, single submitter. Criteria: ARUP Molecular Germline Variant Investigation Process 2024. Collection method: clinical testing. Allele origin: germline.
Comment: The CFTR c.2684G>A, p.Ser895Asn variant (rs201864483, ClinVar Variation ID: 53543) is reported in the literature in individuals affected with congenital absence of the vas deferens (Fang 2022, Luo 2021, Wu 2005, Yuan 2019) and pancreatitis (Abu-El-Haija 2018, Chang 2007, Palermo 2016). The variant is also reported in individuals affected with cystic fibrosis who also carry CF-causing pathogenic variants in the compound heterozygous state (Shen 2022, Wong 2003). This variant is found in the East Asian population with an allele frequency of 0.461% (92/19952 alleles) in the Genome Aggregation Database (v2.1.1). Computational analyses are uncertain whether this variant is neutral or deleterious (REVEL: 0.351). Due to limited information, the clinical significance of this variant is uncertain at this time. References: Abu-El-Haija M et al. Prevalence of abnormal glucose metabolism in pediatric acute, acute recurrent and chronic pancreatitis. PLoS One. 2018 Oct 31;13(10):e0204979. PMID: 30379828. Chang M et al. Spectrum of mutations and variants/haplotypes of CFTR and genotype-phenotype correlation in idiopathic chronic pancreatitis and controls in Chinese by complete analysis. Clin Genet. 2007; 71(6):530-9. PMID: 27171515. Fang J et al. Congenital absence of the vas deferens with hypospadias or without hypospadias: Phenotypic findings and genetic considerations. Front Genet. 2022 Nov 9;13:1035468. PMID: 36437957. Luo S et al. Mutation analysis of the cystic fibrosis transmembrane conductance regulator gene in Chinese congenital absence of vas deferens patients. Gene. 2021 Jan 10;765:145045. PMID: 32777524. Palermo J et al. Genophenotypic Analysis of Pediatric Patients With Acute Recurrent and Chronic Pancreatitis. Pancreas. 2016; 45(9):1347-52. PMID: 27171515. Shen Y et al. Genetic spectrum of Chinese children with cystic fibrosis: comprehensive data analysis from the main referral centre in China. J Med Genet. 2022 Jul 20;60(3):310â€“5. PMID: 35858753. Wong LJ et al. Two novel null mutations in a Taiwanese cystic fibrosis patient and a survey of East Asian CFTR mutations. Am J Med Genet A. 2003 Jul 15;120A(2):296-8. PMID: 12833420. Wu C et al. Mutation spectrum of the CFTR gene in Taiwanese patients with congenital bilateral absence of the vas deferens. Hum Reprod. 2005; 20(9):2470-5. PMID: 15905293. Yuan P et al. Expanding the phenotypic and genetic spectrum of Chinese patients with congenital absence of vas deferens bearing CFTR and ADGRG2 alleles. Andrology. 2019 May;7(3):329-340. PMID: 30811104.

Blueprint Genetics
Classification: Likely benign. Last evaluated: 2024-10-28. Review status: criteria provided, single submitter. Criteria: ACMG Guidelines, 2015. Collection method: clinical testing. Allele origin: germline.

GeneDx
Classification: Uncertain significance. Last evaluated: 2024-03-28. Review status: criteria provided, single submitter. Criteria: GeneDx Variant Classification Process June 2021. Collection method: clinical testing. Allele origin: germline. Affected: yes.
Comment: Observed in individuals with cystic fibrosis, bronchiectasis, congenital absence of the vas deferens, or pancreatitis, with and without additional CFTR variants reported, but familial segregation information and additional clinical information was not included (PMID: 12874665, 29997923, 34673937, 30811104, 32777524, 27171515, 28502372); In silico analysis supports that this missense variant does not alter protein structure/function; This variant is associated with the following publications: (PMID: 27143075, 26199320, 34276759, 27171515, 25869325, 29997923, 32777524, 32508047, 15905293, 34673937, 30811104, 28608624, 28502372, 31423445, 30558651, 30379828, 27717243, 29216686, 25580864, 17539902, 35313924, 34842611, 37313453, 27081564, 12874665, 36437957, 35858753, 10925568)

Women's Health and Genetics/Laboratory Corporation of America, LabCorp
Classification: Benign. Last evaluated: 2022-05-20. Review status: criteria provided, single submitter. Criteria: LabCorp Variant Classification Summary - May 2015. Collection method: clinical testing. Allele origin: germline.
Comment: Variant summary: CFTR c.2684G>A (p.Ser895Asn) results in a conservative amino acid change in the encoded protein sequence. Five of five in-silico tools predict a benign effect of the variant on protein function. The variant allele was found at a frequency of 0.00035 in 251266 control chromosomes, predominantly at a frequency of 0.0048 within the East Asian subpopulation in the gnomAD database. The variant occurs with an even higher frequency in the Other East-Asian (presumably mostly Chinese) sub population (i.e. with a frequency of 0.006), and although this frequency is not higher than the estimated maximum expected for a pathogenic variant in CFTR causing Cystic Fibrosis (CF) in the Caucasian population (0.013), however, in a recent study the estimated Chinese CF prevalence was reported to be about 40x lower than the prevalence in Caucasians (Ni_2022), suggesting that the variant is a benign polymorphism found primarily in populations of East Asian origin. The variant, c.2684G>A, has been reported in the literature in four Chinese individuals affected with Cystic Fibrosis (Wu_2000, Alper_2003, Wang_2019, Yang_2021), however, in all of these patients the variant occurred in cis with a pathogenic variant (c.2083dupG (p.Glu695fs)), and all patients also carried a pathogenic variant (c.1898+5G>T) in trans, therefore these co-occurrences with other pathogenic variants provide supporting evidence for a benign role. In addition, the variant was published in heterozygous state in individuals affected with pancreatitis (Chang_2015, Palermo_2016) and bronchiectasis (Guan_2018), but was also found in healthy subject with a similar frequency (Guan_2018). To our knowledge, no experimental evidence demonstrating an impact on protein function has been reported. Seven submitters have provided clinical-significance assessments for this variant in ClinVar after 2014 without evidence for independent evaluation, and classified the variant as VUS (n=5) or likely benign (n=2). Based on the evidence outlined above, the variant was classified as benign.

Genome-Nilou Lab
Classification: Uncertain significance for Cystic fibrosis. Last evaluated: 2021-07-22. Review status: criteria provided, single submitter. Criteria: ACMG Guidelines, 2015. Collection method: clinical testing. Allele origin: germline. Affected: no.

Sema4
Classification: Uncertain significance for Hereditary pancreatitis. Last evaluated: 2021-05-24. Review status: criteria provided, single submitter. Criteria: Sema4 Curation Guidelines. Collection method: curation. Allele origin: germline.
Comment: The CFTR c.2684G>A (p.S895N) variant has been reported in individuals with bronchiectasis, cystic fibrosis, congenital absence of the vas deferens, azoospermia and pancreatitis (PMID: 29997923, 15905293, 25869325, 27171515, 28608624, 30379828, 30811104, 12874665, 17539902, 32777524, 26199320). However, in at least three cystic fibrosis patients, the variant was observed in cis with a pathogenic CFTR variant, a supporting evidence for benign role (PMID: 10925568, 12874665). It was observed in 92/19952 chromosomes of the East Asian subpopulation in the large and broad cohorts of the Genome Aggregation Database (PMID: 32461654). The variant has been reported in ClinVar (Variation ID 53543). Computational analyses and evolutionary conservation suggest that the variant does not impact the function of protein, however these predictions have not been confirmed by published functional studies. There is no indication that this variant causes disease, but the evidence is insufficient currently to prove that conclusively. Thus, the clinical significance of this variant is currently uncertain.

Ambry Genetics
Classification: Likely benign for Cystic fibrosis. Last evaluated: 2021-01-22. Review status: criteria provided, single submitter. Criteria: Ambry Variant Classification Scheme 2023. Collection method: clinical testing. Allele origin: germline.

ACT Genomics,
Classification: Likely benign for Breast neoplasm. Last evaluated: 2020-11-06. Review status: criteria provided, single submitter. Criteria: ACMG Guidelines, 2015. Collection method: clinical testing. Allele origin: germline. Inheritance: Autosomal dominant inheritance. Affected: yes. Observed: 1 heterozygote.
Comment: The allele frequency of this variant c.2684G>A (p.Ser895Asn) is 0.0026 in East Asian of gnomAD and 0.003 in East Asian in 1000 Genomes. The variant is predicted to be tolerated by both SIFT or PolyPhen2. For these reasons, this variant has been classified as Likely Benign.

Quest Diagnostics Nichols Institute San Juan Capistrano
Classification: Uncertain significance. Last evaluated: 2020-07-09. Review status: criteria provided, single submitter. Criteria: Quest Diagnostics criteria. Collection method: clinical testing. Allele origin: unknown.

Illumina Laboratory Services, Illumina
Classification: Uncertain significance for CFTR-Related Disorders. Last evaluated: 2017-04-28. Review status: criteria provided, single submitter. Criteria: ICSL Variant Classification Criteria 13 December 2019. Collection method: clinical testing. Allele origin: germline.
Comment: This variant was observed as part of a predisposition screen in an ostensibly healthy population. A literature search was performed for the gene, cDNA change, and amino acid change (where applicable). Publications were found based on this search. However, the evidence from the literature, in combination with allele frequency data from public databases where available, was not sufficient to rule this variant in or out of causing disease. Therefore, this variant is classified as a variant of unknown significance.

Counsyl
Classification: Uncertain significance for Cystic fibrosis. Last evaluated: 2017-06-09. Review status: no assertion criteria provided. Collection method: clinical testing. Allele origin: unknown. Not counted in ClinVar's aggregate classification.

Literature cited by the submitters: PubMed 12874665 (cited by 6 submitters); PubMed 25580864 (cited by 4 submitters); PubMed 25869325 (cited by 5 submitters); PubMed 27171515 (cited by 5 submitters); PubMed 27081564 (cited by Women's Health and Genetics/Laboratory Corporation of America, LabCorp); PubMed 29997923 (cited by 4 submitters); PubMed 31423445 (cited by Women's Health and Genetics/Laboratory Corporation of America, LabCorp); PubMed 32777524 (cited by Women's Health and Genetics/Laboratory Corporation of America, LabCorp and Sema4); PubMed 35313924 (cited by Women's Health and Genetics/Laboratory Corporation of America, LabCorp); PubMed 10925568 (cited by 5 submitters); PubMed 34276759 (cited by Women's Health and Genetics/Laboratory Corporation of America, LabCorp); PubMed 27717243 (cited by 3 submitters); PubMed 15905293 (cited by 4 submitters); PubMed 28608624 (cited by Sema4); PubMed 30379828 (cited by Sema4); PubMed 30811104 (cited by Sema4); PubMed 17539902 (cited by Sema4 and Illumina Laboratory Services, Illumina); PubMed 26199320 (cited by Sema4); PubMed 28502372 (cited by Ambry Genetics); PubMed 27143075 (cited by Illumina Laboratory Services, Illumina).

NM_000492.4(CFTR):c.2684G>A (p.Ser895Asn)

Gene: CFTR (CF transmembrane conductance regulator; plus strand). Cytogenetic location: 7q31.2.
Variant type: single nucleotide variant.
Coding change: c.2684G>A on transcript NM_000492.4 (MANE Select); coding-DNA position 2684, G replaced by A.
Protein change: p.Ser895Asn; replaces serine 895 with asparagine.
Molecular consequence: missense variant.
Genome position (GRCh38, 1-based): chr7:117,603,558, G>A. VCF-style: chr7-117603558-G-A. GRCh37 (hg19) VCF-style: chr7-117243612-G-A.
Other names: short protein forms S895N.
Identifiers: ClinVar variation 53543 (VCV000053543.33), dbSNP rs201864483, ClinGen allele CA326888.